The following is an entry in ClinVar:

ClinVar aggregate classification (germline): Uncertain significance (1 of 4 stars; one submission).

Submission:

Labcorp Genetics (formerly Invitae), Labcorp
Classification: Uncertain significance. Last evaluated: 2022-04-29. Review status: criteria provided, single submitter. Criteria: Invitae Variant Classification Sherloc (09022015). Collection method: clinical testing. Allele origin: germline.
Comment: In summary, the available evidence is currently insufficient to determine the role of this variant in disease. Therefore, it has been classified as a Variant of Uncertain Significance. Algorithms developed to predict the effect of missense changes on protein structure and function are either unavailable or do not agree on the potential impact of this missense change (SIFT: "Tolerated"; PolyPhen-2: "Probably Damaging"; Align-GVGD: "Class C0"). This variant has not been reported in the literature in individuals affected with TRRAP-related conditions. This variant is not present in population databases (gnomAD no frequency). This sequence change replaces valine, which is neutral and non-polar, with methionine, which is neutral and non-polar, at codon 3321 of the TRRAP protein (p.Val3321Met).

NM_001375524.1(TRRAP):c.10090G>A (p.Val3364Met)

Gene: TRRAP (transformation/transcription domain associated protein; plus strand). Cytogenetic location: 7q22.1.
Variant type: single nucleotide variant.
Coding change: c.10090G>A on transcript NM_001375524.1 (MANE Select); coding-DNA position 10090, G replaced by A.
Protein change: p.Val3364Met; replaces valine 3364 with methionine.
Molecular consequence: missense variant.
Genome position (GRCh38, 1-based): chr7:98,994,629, G>A. VCF-style: chr7-98994629-G-A. GRCh37 (hg19) VCF-style: chr7-98592252-G-A.
Other names: c.10048G>A, p.Val3350Met (NM_001244580.2); c.9961G>A, p.Val3321Met (NM_003496.4); short protein forms V3321M, V3364M, V3350M.
Identifiers: ClinVar variation 1933552 (VCV001933552.5), dbSNP rs2485014659, ClinGen allele CA368332319.